The following is an entry in ClinVar:

NM_004859.4(CLTC):c.2562-2A>G

Gene: CLTC (clathrin heavy chain; plus strand). Cytogenetic location: 17q23.1.
Variant type: single nucleotide variant.
Coding change: c.2562-2A>G on transcript NM_004859.4 (MANE Select); the canonical splice acceptor site of the intron before coding-DNA position 2562, A replaced by G.
Molecular consequence: splice acceptor variant.
Genome position (GRCh38, 1-based): chr17:59,676,952, A>G. VCF-style: chr17-59676952-A-G. GRCh37 (hg19) VCF-style: chr17-57754313-A-G.
Other names: c.2574-2A>G (NM_001288653.2).
Identifiers: ClinVar variation 3768865 (VCV003768865.1).

ClinVar aggregate classification (germline): Likely pathogenic (1 of 4 stars; one submission).

Conditions:
Intellectual developmental disorder, autosomal dominant 56. Also called: MENTAL RETARDATION, AUTOSOMAL DOMINANT 56; Intellectual disability, autosomal dominant 56. Identifiers: MedGen C4693389, MONDO:0030922, OMIM 617854.

Submission:

Women's Health and Genetics/Laboratory Corporation of America, LabCorp
Classification: Likely pathogenic for Intellectual developmental disorder, autosomal dominant 56. Last evaluated: 2025-02-24. Review status: criteria provided, single submitter. Criteria: LabCorp Variant Classification Summary - May 2015. Collection method: clinical testing. Allele origin: germline.
Comment: Variant summary: CLTC c.2562-2A>G is located in a canonical splice-site and is predicted to affect mRNA splicing resulting in a significantly altered protein due to either exon skipping, shortening, or inclusion of intronic material. Variants that disrupt the consensus splice site are a relatively common cause of aberrant splicing and loss of CLTC function. Several computational tools predict a significant impact on normal splicing: Four predict the variant abolishes a canonical 3' acceptor site. However, these predictions have yet to be confirmed by functional studies. The frequency data for this variant in gnomAD is considered unreliable, as metrics indicate poor data quality at this position. To our knowledge, no occurrence of c.2562-2A>G in individuals affected with Intellectual Disability, Autosomal Dominant 56 and no experimental evidence demonstrating its impact on protein function have been reported. No submitters have cited clinical-significance assessments for this variant to ClinVar. Based on the evidence outlined above, the variant was classified as likely pathogenic.